The following is an entry in ClinVar:

NM_001614.5(ACTG1):c.363+13C>A

Gene: ACTG1 (actin gamma 1; minus strand). Cytogenetic location: 17q25.3.
Variant type: single nucleotide variant.
Coding change: c.363+13C>A on transcript NM_001614.5 (MANE Select); 13 bases into the intron after coding-DNA position 363, C replaced by A.
Molecular consequence: intron variant.
Genome position (GRCh38, 1-based): chr17:81,511,890, G>T on the plus strand (C>A on the coding strand, the complement: ACTG1 is on the minus strand). VCF-style: chr17-81511890-G-T. GRCh37 (hg19) VCF-style: chr17-79478916-G-T.
Other names: c.363+13C>A (NM_001199954.3).
Identifiers: ClinVar variation 44147 (VCV000044147.27), dbSNP rs9910792, ClinGen allele CA133672.

ClinVar aggregate classification (germline): Benign. Review status: criteria provided, multiple submitters, no conflicts (2 of 4 stars). 11 submissions from 10 submitters: Benign (8). 3 of the submissions do not count toward it. Last evaluated 2026-02-04.

Conditions:
Autosomal dominant nonsyndromic hearing loss 20. Identifiers: Orphanet 90635, MedGen C1858172, MONDO:0011480, OMIM 604717.
Baraitser-winter syndrome 2. Identifiers: Orphanet 2995, MedGen C3281235, MONDO:0013812, OMIM 614583.

Allele frequency attached by ClinVar (database versions not stated): ESP Exome Variant Server 0.41936; gnomAD 0.43644 and 0.44676; TOPMed 0.45196; ExAC 0.49892; 1000 Genomes Project 30x 0.55262; 1000 Genomes Project 0.55891.

Submissions (11):

Labcorp Genetics (formerly Invitae), Labcorp
Classification: Benign for Baraitser-winter syndrome 2; Autosomal dominant nonsyndromic hearing loss 20. Last evaluated: 2026-02-04. Review status: criteria provided, single submitter. Criteria: Invitae Variant Classification Sherloc (09022015). Collection method: clinical testing. Allele origin: germline.

Blueprint Genetics
Classification: Benign. Last evaluated: 2024-11-28. Review status: criteria provided, single submitter. Criteria: ACMG Guidelines, 2015. Collection method: clinical testing. Allele origin: germline.

Genome-Nilou Lab
Classification: Benign for Baraitser-winter syndrome 2. Last evaluated: 2021-07-14. Review status: criteria provided, single submitter. Criteria: ACMG Guidelines, 2015. Collection method: clinical testing. Allele origin: germline. Affected: no.

Genome-Nilou Lab
Classification: Benign for Autosomal dominant nonsyndromic hearing loss 20. Last evaluated: 2021-07-14. Review status: criteria provided, single submitter. Criteria: ACMG Guidelines, 2015. Collection method: clinical testing. Allele origin: germline. Affected: no.

Eurofins Ntd Llc (ga)
Classification: Benign. Last evaluated: 2016-03-07. Review status: criteria provided, single submitter. Criteria: EGL Classification Definitions 2015. Collection method: clinical testing. Allele origin: germline. Observed: 1 variant allele, 1 heterozygote.

GeneDx
Classification: Benign. Last evaluated: 2015-10-15. Review status: criteria provided, single submitter. Criteria: GeneDx Variant Classification (06012015). Collection method: clinical testing. Allele origin: germline. Affected: yes.
Comment: This variant is considered likely benign or benign based on one or more of the following criteria: it is a conservative change, it occurs at a poorly conserved position in the protein, it is predicted to be benign by multiple in silico algorithms, and/or has population frequency not consistent with disease.

Laboratory for Molecular Medicine, Mass General Brigham Personalized Medicine
Classification: Benign. Last evaluated: 2012-05-07. Review status: criteria provided, single submitter. Criteria: LMM Criteria. Collection method: clinical testing. Allele origin: germline. Observed: 1,022 variant alleles.
Comment: 363+13C>A in Intron 03 of ACTG1: This variant is not expected to have clinical s ignificance because it is not located within the conserved splice consensus sequ ence and has been identified in 43.2% (3019/6996) of European American chromosom es from a broad population by the NHLBI Exome Sequencing Project (.; dbSNP rs9910792).

Breakthrough Genomics
Classification: Benign. Review status: criteria provided, single submitter. Criteria: ACMG Guidelines, 2015. Collection method: not provided. Allele origin: germline. Inheritance: Autosomal dominant inheritance. Affected: yes.

Clinical Genetics DNA and cytogenetics Diagnostics Lab, Erasmus MC, Erasmus Medical Center
Classification: Benign. Review status: no assertion criteria provided. Collection method: clinical testing. Allele origin: germline. Affected: yes. Study: VKGL Data-share Consensus. Not counted in ClinVar's aggregate classification.

Diagnostic Laboratory, Department of Genetics, University Medical Center Groningen
Classification: Benign. Review status: no assertion criteria provided. Collection method: clinical testing. Allele origin: germline. Affected: yes. Study: VKGL Data-share Consensus. Not counted in ClinVar's aggregate classification.

Joint Genome Diagnostic Labs from Nijmegen and Maastricht, Radboudumc and MUMC+
Classification: Benign. Review status: no assertion criteria provided. Collection method: clinical testing. Allele origin: germline. Affected: yes. Study: VKGL Data-share Consensus. Not counted in ClinVar's aggregate classification.